The following is an entry in ClinVar:

ClinVar aggregate classification (germline): Uncertain significance. Review status: criteria provided, multiple submitters, no conflicts (2 of 4 stars). 2 submissions from 2 submitters: Uncertain significance (2). Last evaluated 2024-12-12.

Conditions:
Inborn genetic diseases. Identifiers: MedGen C0950123, MeSH D030342.

Allele frequency attached by ClinVar (database versions not stated): TOPMed below 0.00001; gnomAD exomes 0.00001.
gnomAD v4.1: 4 of 1,613,892 alleles (0.00025%); highest among the groups gnomAD compares: African/African-American, 0.0013%; no homozygotes.

Submissions (2):

Ambry Genetics
Classification: Uncertain significance for Inborn genetic diseases. Last evaluated: 2024-12-12. Review status: criteria provided, single submitter. Criteria: Ambry Variant Classification Scheme 2023. Collection method: clinical testing. Allele origin: germline.
Comment: The p.H1043R variant (also known as c.3128A>G), located in coding exon 1 of the SAMD9 gene, results from an A to G substitution at nucleotide position 3128. The histidine at codon 1043 is replaced by arginine, an amino acid with highly similar properties. This amino acid position is conserved. In addition, this alteration is predicted to be tolerated by in silico analysis. Based on the available evidence, the clinical significance of this variant remains unclear.

Labcorp Genetics (formerly Invitae), Labcorp
Classification: Uncertain significance. Last evaluated: 2022-03-15. Review status: criteria provided, single submitter. Criteria: Invitae Variant Classification Sherloc (09022015). Collection method: clinical testing. Allele origin: germline.
Comment: This sequence change replaces histidine, which is basic and polar, with arginine, which is basic and polar, at codon 1043 of the SAMD9 protein (p.His1043Arg). This variant is not present in population databases (gnomAD no frequency). This variant has not been reported in the literature in individuals affected with SAMD9-related conditions. Algorithms developed to predict the effect of missense changes on protein structure and function (SIFT, PolyPhen-2, Align-GVGD) all suggest that this variant is likely to be tolerated. In summary, the available evidence is currently insufficient to determine the role of this variant in disease. Therefore, it has been classified as a Variant of Uncertain Significance.

NM_017654.4(SAMD9):c.3128A>G (p.His1043Arg)

Gene: SAMD9 (sterile alpha motif domain containing 9; minus strand). Cytogenetic location: 7q21.2.
Variant type: single nucleotide variant.
Coding change: c.3128A>G on transcript NM_017654.4 (MANE Select); coding-DNA position 3128, A replaced by G.
Protein change: p.His1043Arg; replaces histidine 1043 with arginine.
Molecular consequence: missense variant.
Genome position (GRCh38, 1-based): chr7:93,102,970, T>C on the plus strand (A>G on the coding strand, the complement: SAMD9 is on the minus strand). VCF-style: chr7-93102970-T-C. GRCh37 (hg19) VCF-style: chr7-92732283-T-C.
Other names: c.3128A>G, p.His1043Arg (NM_001193307.2); c.3128A>G (NM_017654.3); short protein forms H1043R.
Identifiers: ClinVar variation 1969084 (VCV001969084.6), dbSNP rs1791562423, ClinGen allele CA368188761.